The following is an entry in ClinVar:

NM_001369.3(DNAH5):c.9898-3C>T

Gene: DNAH5 (dynein axonemal heavy chain 5; minus strand). Cytogenetic location: 5p15.2.
Variant type: single nucleotide variant.
Coding change: c.9898-3C>T on transcript NM_001369.3 (MANE Select); 3 bases into the intron before coding-DNA position 9898, C replaced by T.
Molecular consequence: intron variant.
Genome position (GRCh38, 1-based): chr5:13,766,182, G>A on the plus strand (C>T on the coding strand, the complement: DNAH5 is on the minus strand). VCF-style: chr5-13766182-G-A. GRCh37 (hg19) VCF-style: chr5-13766291-G-A.
Identifiers: ClinVar variation 4747929 (VCV004747929.1).

ClinVar aggregate classification (germline): Uncertain significance (1 of 4 stars; one submission).

Conditions:
Primary ciliary dyskinesia. Also called: Ciliary dyskinesia. Identifiers: Orphanet 244, MedGen C0008780, MONDO:0016575, HP:0012265.

gnomAD v4.1: 2 of 1,614,116 alleles (0.00012%); highest among the groups gnomAD compares: Non-Finnish European, 0.00017%; no homozygotes.

Submission:

Labcorp Genetics (formerly Invitae), Labcorp
Classification: Uncertain significance for Primary ciliary dyskinesia. Last evaluated: 2026-01-27. Review status: criteria provided, single submitter. Criteria: Invitae Variant Classification Sherloc (09022015). Collection method: clinical testing. Allele origin: germline.
Comment: This sequence change falls in intron 58 of the DNAH5 gene. It does not directly change the encoded amino acid sequence of the DNAH5 protein. It affects a nucleotide within the consensus splice site. This variant is not present in population databases (gnomAD no frequency). This variant has not been reported in the literature in individuals affected with DNAH5-related conditions. Variants that disrupt the consensus splice site are a relatively common cause of aberrant splicing (PMID: 17576681, 9536098). Algorithms developed to predict the effect of sequence changes on RNA splicing suggest that this variant is not likely to affect RNA splicing. In summary, the available evidence is currently insufficient to determine the role of this variant in disease. Therefore, it has been classified as a Variant of Uncertain Significance.

Literature cited by the submitters: PubMed 17576681; PubMed 9536098.